The following is an entry in ClinVar:

ClinVar aggregate classification (germline): Likely benign (1 of 4 stars; one submission).

Allele frequency attached by ClinVar (database versions not stated): gnomAD exomes below 0.00001.
gnomAD v4.1: 2 of 1,612,556 alleles (0.00012%); highest among the groups gnomAD compares: Non-Finnish European, 0.00017%; no homozygotes.

Submission:

GeneDx
Classification: Likely benign. Last evaluated: 2016-01-27. Review status: criteria provided, single submitter. Criteria: GeneDx Variant Classification (06012015). Collection method: clinical testing. Allele origin: germline. Affected: yes.
Comment: This variant is considered likely benign or benign based on one or more of the following criteria: it is a conservative change, it occurs at a poorly conserved position in the protein, it is predicted to be benign by multiple in silico algorithms, and/or has population frequency not consistent with disease.

NM_004990.4(MARS1):c.1636-4C>T

Gene: MARS1 (methionyl-tRNA synthetase 1; plus strand). Cytogenetic location: 12q13.3.
Variant type: single nucleotide variant.
Coding change: c.1636-4C>T on transcript NM_004990.4 (MANE Select); 4 bases into the intron before coding-DNA position 1636, C replaced by T.
Molecular consequence: intron variant.
Genome position (GRCh38, 1-based): chr12:57,512,232, C>T. VCF-style: chr12-57512232-C-T. GRCh37 (hg19) VCF-style: chr12-57906015-C-T.
Identifiers: ClinVar variation 382081 (VCV000382081.1), dbSNP rs1057521247, ClinGen allele CA16606350.